The following is an entry in ClinVar:

ClinVar aggregate classification (germline): Uncertain significance (1 of 4 stars; one submission).

Submission:

Ambry Genetics
Classification: Uncertain significance. Last evaluated: 2023-05-30. Review status: criteria provided, single submitter. Criteria: Ambry Variant Classification Scheme 2023. Collection method: clinical testing. Allele origin: germline.
Comment: The p.Y264F variant (also known as c.791A>T), located in coding exon 6 of the RINT1 gene, results from an A to T substitution at nucleotide position 791. The tyrosine at codon 264 is replaced by phenylalanine, an amino acid with highly similar properties. This amino acid position is conserved. In addition, this alteration is predicted to be tolerated by in silico analysis. Since supporting evidence is limited at this time, the clinical significance of this alteration remains unclear.

NM_021930.6(RINT1):c.791A>T (p.Tyr264Phe)

Gene: RINT1 (RAD50 interactor 1; plus strand). Cytogenetic location: 7q22.3.
Variant type: single nucleotide variant.
Coding change: c.791A>T on transcript NM_021930.6 (MANE Select); coding-DNA position 791, A replaced by T.
Protein change: p.Tyr264Phe; replaces tyrosine 264 with phenylalanine.
Molecular consequence: missense variant. On other transcripts: 5 prime UTR variant (2), non-coding transcript variant (1), intron variant (1).
Genome position (GRCh38, 1-based): chr7:105,547,285, A>T. VCF-style: chr7-105547285-A-T. GRCh37 (hg19) VCF-style: chr7-105187732-A-T.
Other names: c.557A>T, p.Tyr186Phe (NM_001346599.2); c.-229A>T (NM_001346600.2); c.-132A>T (NM_001346601.2); c.-27-2770A>T (NM_001346603.2); short protein forms Y186F, Y264F.
Identifiers: ClinVar variation 2563364 (VCV002563364.2), dbSNP rs2485124214, ClinGen allele CA368806389.